The following is an entry in ClinVar:

ClinVar aggregate classification (germline): Uncertain significance. Review status: criteria provided, multiple submitters, no conflicts (2 of 4 stars). 3 submissions from 3 submitters: Uncertain significance (3). Last evaluated 2026-07-08.

Conditions:
Inborn genetic diseases. Identifiers: MedGen C0950123, MeSH D030342.
MAGEL2-related disorder. Also called: MAGEL2-related condition.

Allele frequency attached by ClinVar (database versions not stated): TOPMed 0.00001.

Submissions (3):

PreventionGenetics, part of Exact Sciences
Classification: Uncertain significance for MAGEL2-related condition. Last evaluated: 2026-07-08. Review status: criteria provided, single submitter. Criteria: ACMG Guidelines, 2015. Collection method: clinical testing. Allele origin: germline.
Comment: The MAGEL2 c.1490C>T variant is predicted to result in the amino acid substitution p.Pro497Leu. To our knowledge, this variant has not been reported in the literature or in a large population database (gnomAD), indicating this variant is rare. At this time, the clinical significance of this variant is uncertain due to the absence of conclusive functional and genetic evidence.

Labcorp Genetics (formerly Invitae), Labcorp
Classification: Uncertain significance. Last evaluated: 2024-05-06. Review status: criteria provided, single submitter. Criteria: Invitae Variant Classification Sherloc (09022015). Collection method: clinical testing. Allele origin: germline.
Comment: This sequence change replaces proline, which is neutral and non-polar, with leucine, which is neutral and non-polar, at codon 497 of the MAGEL2 protein (p.Pro497Leu). This variant is not present in population databases (gnomAD no frequency). This variant has not been reported in the literature in individuals affected with MAGEL2-related conditions. ClinVar contains an entry for this variant (Variation ID: 2254270). Experimental studies and prediction algorithms are not available or were not evaluated, and the functional significance of this variant is currently unknown. In summary, the available evidence is currently insufficient to determine the role of this variant in disease. Therefore, it has been classified as a Variant of Uncertain Significance.

Ambry Genetics
Classification: Uncertain significance for Inborn genetic diseases. Last evaluated: 2021-10-12. Review status: criteria provided, single submitter. Criteria: Ambry Variant Classification Scheme 2023. Collection method: clinical testing. Allele origin: germline.

NM_019066.5(MAGEL2):c.1490C>T (p.Pro497Leu)

Gene: MAGEL2 (MAGE family member L2; minus strand). Cytogenetic location: 15q11.2.
Variant type: single nucleotide variant.
Coding change: c.1490C>T on transcript NM_019066.5 (MANE Select); coding-DNA position 1490, C replaced by T.
Protein change: p.Pro497Leu; replaces proline 497 with leucine.
Molecular consequence: missense variant.
Genome position (GRCh38, 1-based): chr15:23,646,253, G>A on the plus strand (C>T on the coding strand, the complement: MAGEL2 is on the minus strand). VCF-style: chr15-23646253-G-A. GRCh37 (hg19) VCF-style: chr15-23891400-G-A.
Other names: short protein forms P497L.
Identifiers: ClinVar variation 2254270 (VCV002254270.6), dbSNP rs1428338556, ClinGen allele CA391333934.